The following is an entry in ClinVar:

ClinVar aggregate classification (germline): Uncertain significance (1 of 4 stars; one submission).

Conditions:
MC3R-related disorder. Also called: MC3R-related condition.

gnomAD v4.1: 7 of 1,613,984 alleles (0.00043%); highest among the groups gnomAD compares: African/African-American, 0.0093%; no homozygotes.

Submission:

PreventionGenetics, part of Exact Sciences
Classification: Uncertain significance for MC3R-related condition. Last evaluated: 2025-05-27. Review status: criteria provided, single submitter. Criteria: ACMG Guidelines, 2015. Collection method: clinical testing. Allele origin: germline.
Comment: The MC3R c.902T>C variant is predicted to result in the amino acid substitution p.Phe301Ser. To our knowledge, this variant has not been reported in the literature. This variant is reported in 0.016% of alleles in individuals of African descent in gnomAD. At this time, the clinical significance of this variant is uncertain due to the absence of conclusive functional and genetic evidence.

NM_019888.3(MC3R):c.902T>C (p.Phe301Ser)

Gene: MC3R (melanocortin 3 receptor; plus strand). Cytogenetic location: 20q13.2.
Variant type: single nucleotide variant.
Coding change: c.902T>C on transcript NM_019888.3 (MANE Select); coding-DNA position 902, T replaced by C.
Protein change: p.Phe301Ser; replaces phenylalanine 301 with serine.
Molecular consequence: missense variant.
Genome position (GRCh38, 1-based): chr20:56,249,745, T>C. VCF-style: chr20-56249745-T-C. GRCh37 (hg19) VCF-style: chr20-54824801-T-C.
Other names: short protein forms F301S.
Identifiers: ClinVar variation 4983597 (VCV004983597.1).